The following is an entry in ClinVar:

ClinVar aggregate classification (germline): Conflicting classifications of pathogenicity. Review status: criteria provided, conflicting classifications (1 of 4 stars). 3 submissions from 3 submitters: Uncertain significance (2); Likely benign (1). Last evaluated 2025-03-31.

Conditions:
Inborn genetic diseases. Identifiers: MedGen C0950123, MeSH D030342.
Pityriasis rubra pilaris (PRP). Also called: Pityriasis rubra pilaris--familial type. Identifiers: Orphanet 2897, MedGen C0032027, MONDO:0100017, OMIM 173200, MONDO:0008251.
Psoriasis 2. Identifiers: MedGen C1864497, MONDO:0011269, OMIM 602723.

Allele frequency attached by ClinVar (database versions not stated): ExAC 0.00004; gnomAD exomes 0.00005; gnomAD 0.00006 and 0.00007; TOPMed 0.00006.
gnomAD v4.1: 59 of 1,612,558 alleles (0.0037%); highest among the groups gnomAD compares: Admixed American, 0.017%; no homozygotes.

Submissions (3):

Labcorp Genetics (formerly Invitae), Labcorp
Classification: Uncertain significance for Pityriasis rubra pilaris; Psoriasis 2. Last evaluated: 2025-03-31. Review status: criteria provided, single submitter. Criteria: Invitae Variant Classification Sherloc (09022015). Collection method: clinical testing. Allele origin: germline.
Comment: This sequence change replaces proline, which is neutral and non-polar, with leucine, which is neutral and non-polar, at codon 611 of the CARD14 protein (p.Pro611Leu). This variant is present in population databases (rs540396879, gnomAD 0.02%). This variant has not been reported in the literature in individuals affected with CARD14-related conditions. ClinVar contains an entry for this variant (Variation ID: 1431576). Invitae Evidence Modeling of protein sequence and biophysical properties (such as structural, functional, and spatial information, amino acid conservation, physicochemical variation, residue mobility, and thermodynamic stability) has been performed for this missense variant. However, the output from this modeling did not meet the statistical confidence thresholds required to predict the impact of this variant on CARD14 protein function. In summary, the available evidence is currently insufficient to determine the role of this variant in disease. Therefore, it has been classified as a Variant of Uncertain Significance.

Blueprint Genetics
Classification: Likely benign. Last evaluated: 2024-09-09. Review status: criteria provided, single submitter. Criteria: ACMG Guidelines, 2015. Collection method: clinical testing. Allele origin: germline.

Ambry Genetics
Classification: Uncertain significance for Inborn genetic diseases. Last evaluated: 2024-08-14. Review status: criteria provided, single submitter. Criteria: Ambry Variant Classification Scheme 2023. Collection method: clinical testing. Allele origin: germline.

NM_001366385.1(CARD14):c.1832C>T (p.Pro611Leu)

Gene: CARD14 (caspase recruitment domain family member 14; plus strand). Cytogenetic location: 17q25.3.
Variant type: single nucleotide variant.
Coding change: c.1832C>T on transcript NM_001366385.1 (MANE Select); coding-DNA position 1832, C replaced by T.
Protein change: p.Pro611Leu; replaces proline 611 with leucine.
Molecular consequence: missense variant. On other transcripts: non-coding transcript variant (1).
Genome position (GRCh38, 1-based): chr17:80,198,572, C>T. VCF-style: chr17-80198572-C-T. GRCh37 (hg19) VCF-style: chr17-78172371-C-T.
Other names: c.1832C>T, p.Pro611Leu (NM_001257970.1, NM_024110.4); c.1121C>T, p.Pro374Leu (NM_052819.3); c.1832C>T (NM_024110.3); short protein forms P611L, P374L.
Identifiers: ClinVar variation 1431576 (VCV001431576.10), dbSNP rs540396879, ClinGen allele CA8817008.